The following is an entry in ClinVar:

NM_017570.5(OPLAH):c.811G>A (p.Asp271Asn)

Gene: OPLAH (5-oxoprolinase, ATP-hydrolysing; minus strand). Cytogenetic location: 8q24.3.
Variant type: single nucleotide variant.
Coding change: c.811G>A on transcript NM_017570.5 (MANE Select); coding-DNA position 811, G replaced by A.
Protein change: p.Asp271Asn; replaces aspartic acid 271 with asparagine.
Molecular consequence: missense variant.
Genome position (GRCh38, 1-based): chr8:144,058,377, C>T on the plus strand (G>A on the coding strand, the complement: OPLAH is on the minus strand). VCF-style: chr8-144058377-C-T. GRCh37 (hg19) VCF-style: chr8-145113280-C-T.
Other names: short protein forms D271N.
Identifiers: ClinVar variation 2154895 (VCV002154895.4), dbSNP rs551657835, ClinGen allele CA4932139.
Genomic context (GRCh38, chr8:144,058,377, plus strand): 5'-CCGGGCCCGAGAGCACAGCACTGGAGCCGCTGAAGGTGTCCATGGGCGCCAGGCCGCCAT[C>T]GGAGCGCATGAACAACACCTGCACATCCTGCGAGCGGGCAGCAGGCGGGCCATGAGGGGC-3'
Protein context (NP_060040.1, residues 261-281): KDVQVLFMRS[Asp271Asn]GGLAPMDTFS

ClinVar aggregate classification (germline): Uncertain significance (1 of 4 stars; one submission).

Conditions:
5-Oxoprolinase deficiency (OPLAHD). Also called: 5-OXOPROLINURIA DUE TO 5-OXOPROLINASE DEFICIENCY. Identifiers: Orphanet 33572, MedGen C0268525, MONDO:0009825, OMIM 260005, HP:0040142.

Allele frequency attached by ClinVar (database versions not stated): ExAC 0.00001; gnomAD 0.00001; gnomAD exomes 0.00001; 1000 Genomes Project 30x 0.00016; 1000 Genomes Project 0.00020.

Submission:

Labcorp Genetics (formerly Invitae), Labcorp
Classification: Uncertain significance for 5-Oxoprolinase deficiency. Last evaluated: 2024-01-29. Review status: criteria provided, single submitter. Criteria: Invitae Variant Classification Sherloc (09022015). Collection method: clinical testing. Allele origin: germline.
Comment: This sequence change replaces aspartic acid, which is acidic and polar, with asparagine, which is neutral and polar, at codon 271 of the OPLAH protein (p.Asp271Asn). This variant is present in population databases (rs551657835, gnomAD 0.003%). This variant has not been reported in the literature in individuals affected with OPLAH-related conditions. ClinVar contains an entry for this variant (Variation ID: 2154895). Experimental studies and prediction algorithms are not available or were not evaluated, and the functional significance of this variant is currently unknown. In summary, the available evidence is currently insufficient to determine the role of this variant in disease. Therefore, it has been classified as a Variant of Uncertain Significance.